The following is an entry in ClinVar:

NM_022464.5(SIL1):c.1120T>C (p.Trp374Arg)

Gene: SIL1 (SIL1 nucleotide exchange factor; minus strand). Cytogenetic location: 5q31.2.
Variant type: single nucleotide variant.
Coding change: c.1120T>C on transcript NM_022464.5 (MANE Select); coding-DNA position 1120, T replaced by C.
Protein change: p.Trp374Arg; replaces tryptophan 374 with arginine.
Molecular consequence: missense variant.
Genome position (GRCh38, 1-based): chr5:138,947,383, A>G on the plus strand (T>C on the coding strand, the complement: SIL1 is on the minus strand). VCF-style: chr5-138947383-A-G. GRCh37 (hg19) VCF-style: chr5-138283072-A-G.
Other names: c.1120T>C, p.Trp374Arg (NM_001037633.2); short protein forms W374R.
Identifiers: ClinVar variation 448382 (VCV000448382.10), dbSNP rs1021273983, ClinGen allele CA128236517.

ClinVar aggregate classification (germline): Conflicting classifications of pathogenicity. Review status: criteria provided, conflicting classifications (1 of 4 stars). 3 submissions from 3 submitters: Uncertain significance (2); Likely benign (1). Last evaluated 2023-12-27.

Conditions:
Inborn genetic diseases. Identifiers: MedGen C0950123, MeSH D030342.
Marinesco-Sjögren syndrome (MSS). Also called: Marinesco-SjÃ¶gren syndrome; Marinesco-Sjogren Syndrome. Identifiers: Orphanet 559, MedGen C0024814, MONDO:0009567, OMIM 248800.

Allele frequency attached by ClinVar (database versions not stated): gnomAD exomes below 0.00001.
gnomAD v4.1: 5 of 1,613,618 alleles (0.00031%); highest among the groups gnomAD compares: Admixed American, 0.0033%; no homozygotes.

Submissions (3):

Ambry Genetics
Classification: Likely benign for Inborn genetic diseases. Last evaluated: 2023-12-27. Review status: criteria provided, single submitter. Criteria: Ambry Variant Classification Scheme 2023. Collection method: clinical testing. Allele origin: germline.

Labcorp Genetics (formerly Invitae), Labcorp
Classification: Uncertain significance for Marinesco-Sjögren syndrome. Last evaluated: 2020-01-17. Review status: criteria provided, single submitter. Criteria: Invitae Variant Classification Sherloc (09022015). Collection method: clinical testing. Allele origin: germline.
Comment: Algorithms developed to predict the effect of missense changes on protein structure and function output the following: SIFT: "Tolerated"; PolyPhen-2: "Benign"; Align-GVGD: "Class C0". The arginine amino acid residue is found in multiple mammalian species, suggesting that this missense change does not adversely affect protein function. These predictions have not been confirmed by published functional studies and their clinical significance is uncertain. This variant has not been reported in the literature in individuals with SIL1-related conditions. ClinVar contains an entry for this variant (Variation ID: 448382). This variant is not present in population databases (ExAC no frequency). This sequence change replaces tryptophan with arginine at codon 374 of the SIL1 protein (p.Trp374Arg). The tryptophan residue is weakly conserved and there is a moderate physicochemical difference between tryptophan and arginine. In summary, the available evidence is currently insufficient to determine the role of this variant in disease. Therefore, it has been classified as a Variant of Uncertain Significance.

Athena Diagnostics
Classification: Uncertain significance. Last evaluated: 2017-06-09. Review status: criteria provided, single submitter. Criteria: Athena Diagnostics Criteria. Collection method: clinical testing. Allele origin: germline.